The following is an entry in ClinVar:

NM_001037333.3(CYFIP2):c.2585G>A (p.Arg862His)

Gene: CYFIP2 (cytoplasmic FMR1 interacting protein 2; plus strand). Cytogenetic location: 5q33.3.
Variant type: single nucleotide variant.
Coding change: c.2585G>A on transcript NM_001037333.3 (MANE Select); coding-DNA position 2585, G replaced by A.
Protein change: p.Arg862His; replaces arginine 862 with histidine.
Molecular consequence: missense variant.
Genome position (GRCh38, 1-based): chr5:157,339,256, G>A. VCF-style: chr5-157339256-G-A. GRCh37 (hg19) VCF-style: chr5-156766264-G-A.
Other names: c.2507G>A, p.Arg836His (NM_001291721.2); c.2660G>A, p.Arg887His (NM_001291722.2); c.2585G>A, p.Arg862His (NM_014376.4); short protein forms R862H, R887H, R836H.
Identifiers: ClinVar variation 2843100 (VCV002843100.3), dbSNP rs2532480986, ClinGen allele CA361972437.

ClinVar aggregate classification (germline): Uncertain significance (1 of 4 stars; one submission).

Allele frequency attached by ClinVar (database versions not stated): gnomAD exomes below 0.00001.
gnomAD v4.1: 2 of 1,613,560 alleles (0.00012%); highest among the groups gnomAD compares: Non-Finnish European, 0.00017%; no homozygotes.

Submission:

Labcorp Genetics (formerly Invitae), Labcorp
Classification: Uncertain significance. Last evaluated: 2023-05-26. Review status: criteria provided, single submitter. Criteria: Invitae Variant Classification Sherloc (09022015). Collection method: clinical testing. Allele origin: germline.
Comment: In summary, the available evidence is currently insufficient to determine the role of this variant in disease. Therefore, it has been classified as a Variant of Uncertain Significance. Variants that disrupt the consensus splice site are a relatively common cause of aberrant splicing (PMID: 17576681, 9536098). Experimental studies and prediction algorithms are not available or were not evaluated, and the functional significance of this variant is currently unknown. This variant has not been reported in the literature in individuals affected with CYFIP2-related conditions. This variant is not present in population databases (gnomAD no frequency). This sequence change replaces arginine, which is basic and polar, with histidine, which is basic and polar, at codon 862 of the CYFIP2 protein (p.Arg862His). This variant also falls at the last nucleotide of exon 22, which is part of the consensus splice site for this exon.

Literature cited by the submitters: PubMed 17576681; PubMed 9536098.